The following is an entry in ClinVar:

ClinVar aggregate classification (germline): Uncertain significance (1 of 4 stars; one submission).

Submission:

Labcorp Genetics (formerly Invitae), Labcorp
Classification: Uncertain significance. Last evaluated: 2024-03-03. Review status: criteria provided, single submitter. Criteria: Invitae Variant Classification Sherloc (09022015). Collection method: clinical testing. Allele origin: germline.
Comment: This sequence change replaces lysine, which is basic and polar, with glutamic acid, which is acidic and polar, at codon 875 of the KCNH1 protein (p.Lys875Glu). This variant is not present in population databases (gnomAD no frequency). This variant has not been reported in the literature in individuals affected with KCNH1-related conditions. ClinVar contains an entry for this variant (Variation ID: 2007377). Advanced modeling of protein sequence and biophysical properties (such as structural, functional, and spatial information, amino acid conservation, physicochemical variation, residue mobility, and thermodynamic stability) performed at Invitae indicates that this missense variant is not expected to disrupt KCNH1 protein function with a negative predictive value of 95%. In summary, the available evidence is currently insufficient to determine the role of this variant in disease. Therefore, it has been classified as a Variant of Uncertain Significance.

NM_172362.3(KCNH1):c.2623A>G (p.Lys875Glu)

Gene: KCNH1 (potassium voltage-gated channel subfamily H member 1; minus strand). Cytogenetic location: 1q32.2.
Variant type: single nucleotide variant.
Coding change: c.2623A>G on transcript NM_172362.3 (MANE Select); coding-DNA position 2623, A replaced by G.
Protein change: p.Lys875Glu; replaces lysine 875 with glutamic acid.
Molecular consequence: missense variant.
Genome position (GRCh38, 1-based): chr1:210,683,628, T>C on the plus strand (A>G on the coding strand, the complement: KCNH1 is on the minus strand). VCF-style: chr1-210683628-T-C. GRCh37 (hg19) VCF-style: chr1-210856970-T-C.
Other names: c.2542A>G, p.Lys848Glu (NM_002238.4); short protein forms K848E, K875E.
Identifiers: ClinVar variation 2007377 (VCV002007377.4), dbSNP rs2546369487, ClinGen allele CA344870785.